The following is an entry in ClinVar:

ClinVar aggregate classification (germline): Benign/Likely benign. Review status: criteria provided, multiple submitters, no conflicts (2 of 4 stars). 2 submissions from 2 submitters: Benign (1); Likely benign (1). Last evaluated 2026-03-01.

Allele frequency attached by ClinVar (database versions not stated): ESP Exome Variant Server 0.00008; gnomAD exomes 0.00011 and 0.00044; gnomAD 0.00019 and 0.00029; TOPMed 0.00023; ExAC 0.00038; 1000 Genomes Project 30x 0.00172; 1000 Genomes Project 0.00180.
gnomAD v4.1: 233 of 1,609,576 alleles (0.014%); highest among the groups gnomAD compares: East Asian, 0.35%; 2 homozygotes.

Submissions (2):

CeGaT Center for Human Genetics Tuebingen
Classification: Likely benign. Last evaluated: 2026-03-01. Review status: criteria provided, single submitter. Criteria: CeGaT Center For Human Genetics Tuebingen Variant Classification Criteria Version 2. Collection method: clinical testing. Allele origin: germline. Affected: yes. Observed: 1 variant allele.
Comment: RAB11B: BP4, BS1

Labcorp Genetics (formerly Invitae), Labcorp
Classification: Benign. Last evaluated: 2025-11-25. Review status: criteria provided, single submitter. Criteria: Invitae Variant Classification Sherloc (09022015). Collection method: clinical testing. Allele origin: germline.

NM_004218.4(RAB11B):c.41-7C>T

Gene: RAB11B (RAB11B, member RAS oncogene family; plus strand). Cytogenetic location: 19p13.2.
Variant type: single nucleotide variant.
Coding change: c.41-7C>T on transcript NM_004218.4 (MANE Select); 7 bases into the intron before coding-DNA position 41, C replaced by T.
Molecular consequence: intron variant.
Genome position (GRCh38, 1-based): chr19:8,399,856, C>T. VCF-style: chr19-8399856-C-T. GRCh37 (hg19) VCF-style: chr19-8464740-C-T.
Identifiers: ClinVar variation 1632425 (VCV001632425.12), dbSNP rs199798403, ClinGen allele CA9156278.